The following is an entry in ClinVar:

NM_001376.5(DYNC1H1):c.10627-3C>T

Gene: DYNC1H1 (dynein cytoplasmic 1 heavy chain 1; plus strand). Cytogenetic location: 14q32.31.
Variant type: single nucleotide variant.
Coding change: c.10627-3C>T on transcript NM_001376.5 (MANE Select); 3 bases into the intron before coding-DNA position 10627, C replaced by T.
Molecular consequence: intron variant.
Genome position (GRCh38, 1-based): chr14:102,034,322, C>T. VCF-style: chr14-102034322-C-T. GRCh37 (hg19) VCF-style: chr14-102500659-C-T.
Identifiers: ClinVar variation 3724104 (VCV003724104.2).

ClinVar aggregate classification (germline): Uncertain significance (1 of 4 stars; one submission).

Conditions:
Charcot-Marie-Tooth disease axonal type 2O. Also called: Charcot-Marie-Tooth disease, axonal, type 20; CHARCOT-MARIE-TOOTH NEUROPATHY, AXONAL, TYPE 2O; CHARCOT-MARIE-TOOTH DISEASE, AXONAL, AUTOSOMAL DOMINANT, TYPE 2O; Charcot-Marie-Tooth Neuropathy Type 2O. Identifiers: Orphanet 284232, MedGen C3280220, MONDO:0013644, OMIM 614228.

Submission:

Labcorp Genetics (formerly Invitae), Labcorp
Classification: Uncertain significance for Charcot-Marie-Tooth disease axonal type 2O. Last evaluated: 2024-10-30. Review status: criteria provided, single submitter. Criteria: Invitae Variant Classification Sherloc (09022015). Collection method: clinical testing. Allele origin: germline.
Comment: This sequence change falls in intron 55 of the DYNC1H1 gene. It does not directly change the encoded amino acid sequence of the DYNC1H1 protein. It affects a nucleotide within the consensus splice site. This variant is not present in population databases (gnomAD no frequency). This variant has not been reported in the literature in individuals affected with DYNC1H1-related conditions. Variants that disrupt the consensus splice site are a relatively common cause of aberrant splicing (PMID: 17576681, 9536098). Algorithms developed to predict the effect of sequence changes on RNA splicing suggest that this variant is not likely to affect RNA splicing. In summary, the available evidence is currently insufficient to determine the role of this variant in disease. Therefore, it has been classified as a Variant of Uncertain Significance.

Literature cited by the submitters: PubMed 17576681; PubMed 9536098.